The following is an entry in ClinVar:

NM_014629.4(ARHGEF10):c.1081A>T (p.Arg361Ter)

Gene: ARHGEF10 (Rho guanine nucleotide exchange factor 10; plus strand). Cytogenetic location: 8p23.3.
Variant type: single nucleotide variant.
Coding change: c.1081A>T on transcript NM_014629.4 (MANE Select); coding-DNA position 1081, A replaced by T.
Protein change: p.Arg361Ter; replaces arginine 361 with a stop codon.
Molecular consequence: nonsense.
Genome position (GRCh38, 1-based): chr8:1,885,606, A>T. VCF-style: chr8-1885606-A-T. GRCh37 (hg19) VCF-style: chr8-1833772-A-T.
Other names: c.967A>T, p.Arg323Ter (NM_001308152.2); c.1084A>T, p.Arg362Ter (NM_001308153.3); short protein forms R323*, R361*, R386*, R362*.
Identifiers: ClinVar variation 800357 (VCV000800357.6), dbSNP rs774853645, ClinGen allele CA4600209.

ClinVar aggregate classification (germline): Uncertain significance. Review status: criteria provided, multiple submitters, no conflicts (2 of 4 stars). 2 submissions from 2 submitters: Uncertain significance (2). Last evaluated 2022-06-29.

Conditions:
Myopathy. Identifiers: MedGen C0026848, MeSH D009135, MONDO:0005336, HP:0003198.
Spinal muscular atrophy (SMA). Identifiers: MedGen C0026847, MeSH D009134, MONDO:0001516, HP:0007269.
Autosomal dominant slowed nerve conduction velocity. Identifiers: Orphanet 140481, MedGen C1842357, MONDO:0011998, OMIM 608236.

Allele frequency attached by ClinVar (database versions not stated): gnomAD exomes 0.00002 and 0.00004; ExAC 0.00004; gnomAD below 0.00001 and 0.00002.
gnomAD v4.1: 32 of 1,610,898 alleles (0.002%); highest among the groups gnomAD compares: South Asian, 0.034%; no homozygotes.

Submissions (2):

Department of Pathology and Laboratory Medicine, Sinai Health System
Classification: Uncertain significance for autosomal dominant slowed nerve conduction velocity. Last evaluated: 2022-06-29. Review status: criteria provided, single submitter. Criteria: ACMG Guidelines, 2015. Collection method: research. Allele origin: germline.

Diagnostics Services (NGS), CSIR - Centre For Cellular And Molecular Biology
Classification: Uncertain significance for Myopathy; Spinal muscular atrophy. Last evaluated: 2019-11-18. Review status: criteria provided, single submitter. Criteria: ACMG Guidelines, 2015. Collection method: clinical testing. Allele origin: unknown. Affected: yes. Observed: 1 heterozygote.
Comment: Heterozygous variations in the ARHGEF10 gene are known to cause autosomal dominant slowed nerve conduction velocity (MIM#608236). The c.1081A>T variant is not present in publicly available databases like 1000 Genomes and Exome Variant Server (EVS) however present in Exome Aggregation Consortium (ExAC), Genome Aggregation Database (gnomAD) and dbSNP at minor allele frequency (MAF) < 0.0001 and only in heterozygous state. The variant is not present in our in-house exome database. The variant was also not reported to OMIM, ClinVar and Human Genome Mutation Database (HGMD) in any other affected individuals. In-silico pathogenicity prediction programs like Mutation Taster2, CADD etc. predicted this variant as likely disease causing. Due to lack of enough evidence and considering the clinical phenotype of the patient, the variant has been classified as uncertain significance as per the ACMG guidelines.